The following is an entry in ClinVar:

NM_004304.5(ALK):c.4199A>G (p.Glu1400Gly)

Gene: ALK (ALK receptor tyrosine kinase; minus strand). Cytogenetic location: 2p23.2.
Variant type: single nucleotide variant.
Coding change: c.4199A>G on transcript NM_004304.5 (MANE Select); coding-DNA position 4199, A replaced by G.
Protein change: p.Glu1400Gly; replaces glutamic acid 1400 with glycine.
Molecular consequence: missense variant.
Genome position (GRCh38, 1-based): chr2:29,193,888, T>C on the plus strand (A>G on the coding strand, the complement: ALK is on the minus strand). VCF-style: chr2-29193888-T-C. GRCh37 (hg19) VCF-style: chr2-29416754-T-C.
Other names: c.995A>G, p.Glu332Gly (NM_001353765.2); c.4199A>G (NM_004304.4); short protein forms E332G, E1400G.
Identifiers: ClinVar variation 3696328 (VCV003696328.3).

ClinVar aggregate classification (germline): Uncertain significance. Review status: criteria provided, multiple submitters, no conflicts (2 of 4 stars). 2 submissions from 2 submitters: Uncertain significance (2). Last evaluated 2025-04-10.

Conditions:
Hereditary cancer-predisposing syndrome. Also called: Tumor predisposition; Hereditary neoplastic syndrome; Hereditary Cancer Syndrome; Neoplastic Syndromes, Hereditary. Identifiers: Orphanet 140162, MedGen C0027672, MeSH D009386, MONDO:0015356.
Neuroblastoma, susceptibility to, 3. Also called: ALK-Related Neuroblastic Tumor Susceptibility. Identifiers: Orphanet 635, MedGen C2751681, MONDO:0013083, OMIM 613014.

Submissions (2):

Ambry Genetics
Classification: Uncertain significance for Hereditary cancer-predisposing syndrome. Last evaluated: 2025-04-10. Review status: criteria provided, single submitter. Criteria: Ambry Variant Classification Scheme 2023. Collection method: clinical testing. Allele origin: germline.
Comment: The p.E1400G variant (also known as c.4199A>G), located in coding exon 29 of the ALK gene, results from an A to G substitution at nucleotide position 4199. The glutamic acid at codon 1400 is replaced by glycine, an amino acid with similar properties. This amino acid position is conserved. In addition, this alteration is predicted to be deleterious by in silico analysis. Based on the available evidence, the clinical significance of this variant remains unclear.

Labcorp Genetics (formerly Invitae), Labcorp
Classification: Uncertain significance for Neuroblastoma, susceptibility to, 3. Last evaluated: 2024-06-25. Review status: criteria provided, single submitter. Criteria: Invitae Variant Classification Sherloc (09022015). Collection method: clinical testing. Allele origin: germline.
Comment: This sequence change replaces glutamic acid, which is acidic and polar, with glycine, which is neutral and non-polar, at codon 1400 of the ALK protein (p.Glu1400Gly). This variant is not present in population databases (gnomAD no frequency). This variant has not been reported in the literature in individuals affected with ALK-related conditions. An algorithm developed to predict the effect of missense changes on protein structure and function (PolyPhen-2) suggests that this variant is likely to be disruptive. In summary, the available evidence is currently insufficient to determine the role of this variant in disease. Therefore, it has been classified as a Variant of Uncertain Significance.